The following is an entry in ClinVar:

ClinVar aggregate classification (germline): Uncertain significance (1 of 4 stars; one submission).

Conditions:
Primary dilated cardiomyopathy (DCM). Also called: Dilated Cardiomyopathy. Identifiers: Orphanet 217604, MedGen C0007193, MeSH D002311, MONDO:0005021, HP:0001644. Inheritance: Various modes of inheritance.

Submission:

Labcorp Genetics (formerly Invitae), Labcorp
Classification: Uncertain significance for Primary dilated cardiomyopathy. Last evaluated: 2022-05-05. Review status: criteria provided, single submitter. Criteria: Invitae Variant Classification Sherloc (09022015). Collection method: clinical testing. Allele origin: germline.
Comment: In summary, the available evidence is currently insufficient to determine the role of this variant in disease. Therefore, it has been classified as a Variant of Uncertain Significance. This sequence change replaces tyrosine, which is neutral and polar, with histidine, which is basic and polar, at codon 412 of the NEBL protein (p.Tyr412His). This variant is not present in population databases (gnomAD no frequency). This variant has not been reported in the literature in individuals affected with NEBL-related conditions. Algorithms developed to predict the effect of missense changes on protein structure and function are either unavailable or do not agree on the potential impact of this missense change (SIFT: "Deleterious"; PolyPhen-2: "Probably Damaging"; Align-GVGD: "Class C0").

NM_006393.3(NEBL):c.1234T>C (p.Tyr412His)

Gene: NEBL (nebulette; minus strand). Cytogenetic location: 10p12.31.
Variant type: single nucleotide variant.
Coding change: c.1234T>C on transcript NM_006393.3 (MANE Select); coding-DNA position 1234, T replaced by C.
Protein change: p.Tyr412His; replaces tyrosine 412 with histidine.
Molecular consequence: missense variant. On other transcripts: intron variant (9).
Genome position (GRCh38, 1-based): chr10:20,840,843, A>G on the plus strand (T>C on the coding strand, the complement: NEBL is on the minus strand). VCF-style: chr10-20840843-A-G. GRCh37 (hg19) VCF-style: chr10-21129772-A-G.
Other names: c.250-27903T>C (NM_001377326.1, NM_001377327.1, NM_001377328.1); c.358-27903T>C (NM_213569.2, NM_001173484.2, NM_001377322.1); c.301-27903T>C (NM_001377324.1); c.292-27903T>C (NM_001377325.1); c.310-27903T>C (NM_001377323.1); short protein forms Y412H.
Identifiers: ClinVar variation 2133963 (VCV002133963.4), dbSNP rs1349601521, ClinGen allele CA376099360.